The following is an entry in ClinVar:

ClinVar aggregate classification (germline): Likely benign. Review status: criteria provided, multiple submitters, no conflicts (2 of 4 stars). 2 submissions from 2 submitters: Likely benign (2). Last evaluated 2025-01-29.

Conditions:
Ehlers-Danlos syndrome, classic type, 1 (EDSCL1). Also called: EHLERS-DANLOS SYNDROME, GRAVIS TYPE; EHLERS-DANLOS SYNDROME, SEVERE CLASSIC TYPE; Ehlers-Danlos Syndrome, Classic Type, COL5A1-Related; EDS I; Ehlers-Danlos syndrome, type 1. Identifiers: MedGen C0268335, MONDO:0019567, OMIM 130000.

Allele frequency attached by ClinVar (database versions not stated): TOPMed 0.00001.
gnomAD v4.1: 5 of 1,613,742 alleles (0.00031%); highest among the groups gnomAD compares: Non-Finnish European, 0.00042%; no homozygotes.

Submissions (2):

Labcorp Genetics (formerly Invitae), Labcorp
Classification: Likely benign for Ehlers-Danlos syndrome, classic type, 1. Last evaluated: 2025-01-29. Review status: criteria provided, single submitter. Criteria: Invitae Variant Classification Sherloc (09022015). Collection method: clinical testing. Allele origin: germline.

GeneDx
Classification: Likely benign. Last evaluated: 2016-12-27. Review status: criteria provided, single submitter. Criteria: GeneDx Variant Classification (06012015). Collection method: clinical testing. Allele origin: germline. Affected: yes.
Comment: This variant is considered likely benign or benign based on one or more of the following criteria: it is a conservative change, it occurs at a poorly conserved position in the protein, it is predicted to be benign by multiple in silico algorithms, and/or has population frequency not consistent with disease.

NM_000093.5(COL5A1):c.4123-10C>T

Gene: COL5A1 (collagen type V alpha 1 chain; plus strand). Cytogenetic location: 9q34.3.
Variant type: single nucleotide variant.
Coding change: c.4123-10C>T on transcript NM_000093.5 (MANE Select); 10 bases into the intron before coding-DNA position 4123, C replaced by T.
Molecular consequence: intron variant.
Genome position (GRCh38, 1-based): chr9:134,817,016, C>T. VCF-style: chr9-134817016-C-T. GRCh37 (hg19) VCF-style: chr9-137708862-C-T.
Other names: c.4123-10C>T (NM_001278074.1).
Identifiers: ClinVar variation 392236 (VCV000392236.9), dbSNP rs1057524402, ClinGen allele CA16605429.